The following is an entry in ClinVar:

ClinVar aggregate classification (germline): Uncertain significance (1 of 4 stars; one submission).

Submission:

Labcorp Genetics (formerly Invitae), Labcorp
Classification: Uncertain significance. Last evaluated: 2025-10-21. Review status: criteria provided, single submitter. Criteria: Invitae Variant Classification Sherloc (09022015). Collection method: clinical testing. Allele origin: germline.
Comment: This sequence change replaces threonine, which is neutral and polar, with isoleucine, which is neutral and non-polar, at codon 744 of the CHUK protein (p.Thr744Ile). This variant is not present in population databases (gnomAD no frequency). This variant has not been reported in the literature in individuals affected with CHUK-related conditions. ClinVar contains an entry for this variant (Variation ID: 1484530). An algorithm developed to predict the effect of missense changes on protein structure and function (PolyPhen-2) suggests that this variant is likely to be tolerated. In summary, the available evidence is currently insufficient to determine the role of this variant in disease. Therefore, it has been classified as a Variant of Uncertain Significance.

NM_001278.5(CHUK):c.2231C>T (p.Thr744Ile)

Gene: CHUK (component of inhibitor of nuclear factor kappa B kinase complex; minus strand). Cytogenetic location: 10q24.31.
Variant type: single nucleotide variant.
Coding change: c.2231C>T on transcript NM_001278.5 (MANE Select); coding-DNA position 2231, C replaced by T.
Protein change: p.Thr744Ile; replaces threonine 744 with isoleucine.
Molecular consequence: missense variant. On other transcripts: 3 prime UTR variant (1).
Genome position (GRCh38, 1-based): chr10:100,189,605, G>A on the plus strand (C>T on the coding strand, the complement: CHUK is on the minus strand). VCF-style: chr10-100189605-G-A. GRCh37 (hg19) VCF-style: chr10-101949362-G-A.
Other names: c.*54C>T (NM_001320928.2); short protein forms T744I.
Identifiers: ClinVar variation 1484530 (VCV001484530.6), dbSNP rs2134202317, ClinGen allele CA378145863.